The following is an entry in ClinVar:

ClinVar aggregate classification (germline): Pathogenic. Review status: criteria provided, multiple submitters, no conflicts (2 of 4 stars). 2 submissions from 2 submitters: Pathogenic (2). Last evaluated 2025-10-03.

Conditions:
DICER1-related tumor predisposition. Also called: DICER1-related pleuropulmonary blastoma cancer predisposition syndrome; DICER1 syndrome. Identifiers: Orphanet 284343, MedGen C3839822, MONDO:0100216.

Submissions (2):

Labcorp Genetics (formerly Invitae), Labcorp
Classification: Pathogenic for DICER1-related tumor predisposition. Last evaluated: 2025-10-03. Review status: criteria provided, single submitter. Criteria: Invitae Variant Classification Sherloc (09022015). Collection method: clinical testing. Allele origin: germline.
Comment: This sequence change creates a premature translational stop signal (p.Arg385Alafs*73) in the DICER1 gene. It is expected to result in an absent or disrupted protein product. Loss-of-function variants in DICER1 are known to be pathogenic (PMID: 19556464, 21266384). This variant is not present in population databases (gnomAD no frequency). This premature translational stop signal has been observed in individual(s) with medulloblastoma (PMID: 21266384). ClinVar contains an entry for this variant (Variation ID: 933047). For these reasons, this variant has been classified as Pathogenic.

Foulkes Cancer Genetics LDI, Lady Davis Institute for Medical Research
Classification: Pathogenic. Last evaluated: 2019-07-01. Review status: criteria provided, single submitter. Criteria: ACMG Guidelines, 2015. Collection method: curation. Allele origin: germline. Affected: yes. Observed: 1 variant allele.
Comment: ACMG criteria met: PVS1, PM2, PP4

Literature cited by the submitters: PubMed 19556464 (cited by Labcorp Genetics (formerly Invitae), Labcorp); PubMed 21266384 (cited by Labcorp Genetics (formerly Invitae), Labcorp and Foulkes Cancer Genetics LDI, Lady Davis Institute for Medical Research).

NM_177438.3(DICER1):c.1153del (p.Arg385fs)

Gene: DICER1 (dicer 1, ribonuclease III; minus strand). Cytogenetic location: 14q32.13.
Variant type: Deletion.
Coding change: c.1153del on transcript NM_177438.3 (MANE Select); coding-DNA position 1153, one base deleted (C; older notation c.1153delC).
Protein change: p.Arg385fs; shifts the reading frame from arginine 385.
Molecular consequence: frameshift variant.
Genome position (GRCh38, 1-based): chr14:95,124,419, G deleted on the plus strand (C on the coding strand, the reverse complement: DICER1 is on the minus strand). VCF-style (leftmost placement, unchanged base first): chr14-95124418-CG-C. GRCh37 (hg19) VCF-style: chr14-95590755-CG-C.
Other names: c.1153del, p.Arg385fs (NM_001195573.1, NM_001271282.3, NM_001291628.2 and 1 more transcripts); short protein forms R385fs.
Identifiers: ClinVar variation 933047 (VCV000933047.7), dbSNP rs1893214804, ClinGen allele CA1139663729.